The following is an entry in ClinVar:

ClinVar aggregate classification (germline): Likely benign (1 of 4 stars; one submission).

Allele frequency attached by ClinVar (database versions not stated): gnomAD 0.00120; ExAC 0.00764.

Submission:

CeGaT Center for Human Genetics Tuebingen
Classification: Likely benign. Last evaluated: 2026-04-01. Review status: criteria provided, single submitter. Criteria: CeGaT Center For Human Genetics Tuebingen Variant Classification Criteria Version 2. Collection method: clinical testing. Allele origin: germline. Affected: yes. Observed: 9 variant alleles.
Comment: CRIPAK: BP4, BP7

NM_175918.3(CRIPAK):c.519A>T (p.Pro173=)

Genes: CRIPAK (cysteine rich PAK1 inhibitor; plus strand), UVSSA (UV stimulated scaffold protein A; plus strand), LOC126806945 (P300/CBP strongly-dependent group 1 enhancer GRCh37_chr4:1388225-1389424; plus strand). Cytogenetic location: 4p16.3.
Variant type: single nucleotide variant.
Coding change: c.519A>T on transcript NM_175918.3; coding-DNA position 519, A replaced by T.
Protein change: p.Pro173=; no amino-acid change (proline 173 retained).
Molecular consequence: synonymous variant.
Genome position (GRCh38, 1-based): chr4:1,395,030, A>T. VCF-style: chr4-1395030-A-T. GRCh37 (hg19) VCF-style: chr4-1388818-A-T.
Identifiers: ClinVar variation 3024900 (VCV003024900.22), dbSNP rs142640592, ClinGen allele CA2806938.